The following is an entry in ClinVar:

ClinVar aggregate classification (germline): Pathogenic. Review status: criteria provided, multiple submitters, no conflicts (2 of 4 stars). 2 submissions from 2 submitters: Pathogenic (2). Last evaluated 2023-05-10.

Conditions:
Angelman syndrome-like. Identifiers: MedGen CN128785.

Submissions (2):

Labcorp Genetics (formerly Invitae), Labcorp
Classification: Pathogenic. Last evaluated: 2023-05-10. Review status: criteria provided, single submitter. Criteria: Invitae Variant Classification Sherloc (09022015). Collection method: clinical testing. Allele origin: germline.
Comment: For these reasons, this variant has been classified as Pathogenic. ClinVar contains an entry for this variant (Variation ID: 625161). This premature translational stop signal has been observed in individual(s) with intellectual disability (PMID: 31207095). This variant is not present in population databases (gnomAD no frequency). This sequence change creates a premature translational stop signal (p.Glu986Argfs*4) in the HIVEP2 gene. It is expected to result in an absent or disrupted protein product. Loss-of-function variants in HIVEP2 are known to be pathogenic (PMID: 27003583).

Division of Genome Diagnostics, Radboud University Medical Centre
Classification: Pathogenic for Angelman-like syndrome. Last evaluated: 2019-04-08. Review status: criteria provided, single submitter. Criteria: ACMG Guidelines, 2015. Collection method: clinical testing. Allele origin: de novo. Inheritance: Autosomal dominant inheritance. Affected: yes. Observed: 1 heterozygote.
Comment: A heterozygous de novo frameshift variant was found in exon 5 of the HIVEP2 gene; c.2956_2957del (p.(Glu986Argfs*4)). This variant creates a premature STOP codon which is predicted to result in a truncated protein or nonsense-mediated mRNA decay, although this has not been demonstrated experimentally. The c.2956_2957del variant is not present in the gnomAD population database (version 2.1). Based on current evidence, this variant is classified as pathogenic. ACMG: PVS1, PM2, PM6

Literature cited by the submitters: PubMed 31207095 (cited by Labcorp Genetics (formerly Invitae), Labcorp); PubMed 27003583 (cited by Labcorp Genetics (formerly Invitae), Labcorp).

NM_006734.4(HIVEP2):c.2956_2957del (p.Glu986fs)

Gene: HIVEP2 (HIVEP zinc finger 2; minus strand). Cytogenetic location: 6q24.2.
Variant type: Microsatellite.
Coding change: c.2956_2957del on transcript NM_006734.4 (MANE Select); coding-DNA positions 2956 to 2957, 2 bases deleted (GA; older notation c.2956_2957delGA).
Protein change: p.Glu986fs; shifts the reading frame from glutamic acid 986.
Molecular consequence: frameshift variant.
Genome position (GRCh38, 1-based): chr6:142,771,782-142,771,783, TC deleted on the plus strand (GA on the coding strand, the reverse complement: HIVEP2 is on the minus strand); deleting any 2 consecutive bases within chr6:142,771,782-142,771,786 gives the same sequence; the c. name uses the placement nearest the transcript's 3' end. VCF-style (leftmost placement, unchanged base first): chr6-142771781-TTC-T. GRCh37 (hg19) VCF-style: chr6-143092918-TTC-T.
Other names: short protein forms E986fs.
Identifiers: ClinVar variation 625161 (VCV000625161.10), dbSNP rs1582843150, ClinGen allele CA915944439.
Genomic context (GRCh38, chr6:142,771,781, plus strand): 5'-AAACTCTGAATGCTTCCCAAACTCATCCTGCTTAGGAAGTGCAGAAAGCTTACTGGTTTC[TTC>T]TCTTTCAAAAGACATGGAGAAACTGGAGCTGTGGGACAAGTTGCTTTCTTGGCTGGGGCT-3'